The following is an entry in ClinVar:

ClinVar aggregate classification (germline): Uncertain significance (1 of 4 stars; one submission).

Conditions:
Cardiovascular phenotype. Identifiers: MedGen CN230736.

Allele frequency attached by ClinVar (database versions not stated): gnomAD exomes below 0.00001.

Submission:

Ambry Genetics
Classification: Uncertain significance for Cardiovascular phenotype. Last evaluated: 2021-03-15. Review status: criteria provided, single submitter. Criteria: Ambry Variant Classification Scheme 2023. Collection method: clinical testing. Allele origin: germline.
Comment: The p.M1237V variant (also known as c.3709A>G), located in coding exon 24 of the MYH6 gene, results from an A to G substitution at nucleotide position 3709. The methionine at codon 1237 is replaced by valine, an amino acid with highly similar properties. This amino acid position is highly conserved in available vertebrate species. In addition, the in silico prediction for this alteration is inconclusive. Since supporting evidence is limited at this time, the clinical significance of this alteration remains unclear.

NM_002471.4(MYH6):c.3709A>G (p.Met1237Val)

Gene: MYH6 (myosin heavy chain 6; minus strand). Cytogenetic location: 14q11.2.
Variant type: single nucleotide variant.
Coding change: c.3709A>G on transcript NM_002471.4 (MANE Select); coding-DNA position 3709, A replaced by G.
Protein change: p.Met1237Val; replaces methionine 1237 with valine.
Molecular consequence: missense variant.
Genome position (GRCh38, 1-based): chr14:23,390,080, T>C on the plus strand (A>G on the coding strand, the complement: MYH6 is on the minus strand). VCF-style: chr14-23390080-T-C. GRCh37 (hg19) VCF-style: chr14-23859289-T-C.
Other names: short protein forms M1237V.
Identifiers: ClinVar variation 1734167 (VCV001734167.2), dbSNP rs2502159078, ClinGen allele CA389005154.